The following is an entry in ClinVar:

NM_182961.4(SYNE1):c.12079-2A>T

Gene: SYNE1 (spectrin repeat containing nuclear envelope protein 1; minus strand). Cytogenetic location: 6q25.2.
Variant type: single nucleotide variant.
Coding change: c.12079-2A>T on transcript NM_182961.4 (MANE Select); the canonical splice acceptor site of the intron before coding-DNA position 12079, A replaced by T.
Molecular consequence: splice acceptor variant.
Genome position (GRCh38, 1-based): chr6:152,344,229, T>A on the plus strand (A>T on the coding strand, the complement: SYNE1 is on the minus strand). VCF-style: chr6-152344229-T-A. GRCh37 (hg19) VCF-style: chr6-152665364-T-A.
Other names: c.11866-2A>T (NM_033071.5, NM_033071.3).
Identifiers: ClinVar variation 1068434 (VCV001068434.9), dbSNP rs2154019221, ClinGen allele CA366112969.

ClinVar aggregate classification (germline): Likely pathogenic. Review status: criteria provided, multiple submitters, no conflicts (2 of 4 stars). 3 submissions from 3 submitters: Likely pathogenic (3). Last evaluated 2025-10-17.

Conditions:
SYNE1-related disorder. Also called: SYNE1-related disease; SYNE1-related condition; SYNE1-related disorders.
Emery-Dreifuss muscular dystrophy 4, autosomal dominant (EDMD4). Also called: EMERY-DREIFUSS MUSCULAR DYSTROPHY 4 WITH VARIABLE FEATURES. Identifiers: Orphanet 261, MedGen C2751807, MONDO:0013071, OMIM 612998.
Autosomal recessive ataxia, Beauce type. Also called: SYNE1-Related Autosomal Recessive Cerebellar Ataxia; Spinocerebellar ataxia, autosomal recessive 8; ATAXIA, RECESSIVE, OF BEAUCE; SYNE1 Deficiency. Identifiers: Orphanet 88644, MedGen C1853116, MONDO:0012549, OMIM 610743.

Submissions (3):

PreventionGenetics, part of Exact Sciences
Classification: Likely pathogenic for SYNE1-related condition. Last evaluated: 2025-10-17. Review status: criteria provided, single submitter. Criteria: ACMG Guidelines, 2015. Collection method: clinical testing. Allele origin: germline.
Comment: The SYNE1 c.11866-2A>T variant is predicted to disrupt the AG splice acceptor site and interfere with normal splicing. To our knowledge, this variant has not been reported in the literature. This variant has not been reported in a large population database (gnomAD), indicating this variant is rare. Variants that disrupt the consensus splice acceptor site in SYNE1 are expected to be pathogenic. This variant is interpreted as likely pathogenic.

Labcorp Genetics (formerly Invitae), Labcorp
Classification: Likely pathogenic for Emery-Dreifuss muscular dystrophy 4, autosomal dominant; Autosomal recessive ataxia, Beauce type. Last evaluated: 2024-01-10. Review status: criteria provided, single submitter. Criteria: Invitae Variant Classification Sherloc (09022015). Collection method: clinical testing. Allele origin: germline.
Comment: This sequence change affects an acceptor splice site in intron 72 of the SYNE1 gene. It is expected to disrupt RNA splicing. Variants that disrupt the donor or acceptor splice site typically lead to a loss of protein function (PMID: 16199547), and loss-of-function variants in SYNE1 are known to be pathogenic (PMID: 19542096, 24319099, 27086870). This variant is not present in population databases (gnomAD no frequency). This variant has not been reported in the literature in individuals affected with SYNE1-related conditions. ClinVar contains an entry for this variant (Variation ID: 1068434). Algorithms developed to predict the effect of sequence changes on RNA splicing suggest that this variant may disrupt the consensus splice site. In summary, the currently available evidence indicates that the variant is pathogenic, but additional data are needed to prove that conclusively. Therefore, this variant has been classified as Likely Pathogenic.

GeneDx
Classification: Likely pathogenic. Last evaluated: 2022-10-11. Review status: criteria provided, single submitter. Criteria: GeneDx Variant Classification Process June 2021. Collection method: clinical testing. Allele origin: germline. Affected: yes.
Comment: Canonical splice site variant expected to result in aberrant splicing, although in the absence of functional evidence the actual effect of this sequence change is unknown.; Not observed at significant frequency in large population cohorts (gnomAD); Has not been previously published as pathogenic or benign to our knowledge

Literature cited by the submitters: PubMed 16199547 (cited by Labcorp Genetics (formerly Invitae), Labcorp); PubMed 19542096 (cited by Labcorp Genetics (formerly Invitae), Labcorp); PubMed 24319099 (cited by Labcorp Genetics (formerly Invitae), Labcorp); PubMed 27086870 (cited by Labcorp Genetics (formerly Invitae), Labcorp).